The following is an entry in ClinVar:

NM_002114.4(HIVEP1):c.7113A>G (p.Pro2371=)

Genes: HIVEP1 (HIVEP zinc finger 1; plus strand), LOC129995792 (ATAC-STARR-seq lymphoblastoid active region 24013; plus strand). Cytogenetic location: 6p24.1.
Variant type: single nucleotide variant.
Coding change: c.7113A>G on transcript NM_002114.4 (MANE Select); coding-DNA position 7113, A replaced by G.
Protein change: p.Pro2371=; no amino-acid change (proline 2371 retained).
Molecular consequence: synonymous variant.
Genome position (GRCh38, 1-based): chr6:12,163,417, A>G. VCF-style: chr6-12163417-A-G. GRCh37 (hg19) VCF-style: chr6-12163650-A-G.
Identifiers: ClinVar variation 2656231 (VCV002656231.24), dbSNP rs2481420475, ClinGen allele CA448431434.

ClinVar aggregate classification (germline): Likely benign (1 of 4 stars; one submission).

Submission:

CeGaT Center for Human Genetics Tuebingen
Classification: Likely benign. Last evaluated: 2022-03-01. Review status: criteria provided, single submitter. Criteria: CeGaT Center For Human Genetics Tuebingen Variant Classification Criteria Version 2. Collection method: clinical testing. Allele origin: germline. Affected: yes. Observed: 1 variant allele.
Comment: HIVEP1: PM2:Supporting, BP4, BP7